The following is an entry in ClinVar:

NM_001020658.2(PUM1):c.275A>G (p.Gln92Arg)

Gene: PUM1 (pumilio RNA binding family member 1; minus strand). Cytogenetic location: 1p35.2.
Variant type: single nucleotide variant.
Coding change: c.275A>G on transcript NM_001020658.2 (MANE Select); coding-DNA position 275, A replaced by G.
Protein change: p.Gln92Arg; replaces glutamine 92 with arginine.
Molecular consequence: missense variant.
Genome position (GRCh38, 1-based): chr1:31,059,292, T>C on the plus strand (A>G on the coding strand, the complement: PUM1 is on the minus strand). VCF-style: chr1-31059292-T-C. GRCh37 (hg19) VCF-style: chr1-31532139-T-C.
Other names: c.275A>G, p.Gln92Arg (NM_014676.3); short protein forms Q92R.
Identifiers: ClinVar variation 1710636 (VCV001710636.2), dbSNP rs2522368300, ClinGen allele CA339572456.

ClinVar aggregate classification (germline): Uncertain significance (1 of 4 stars; one submission).

Submission:

GeneDx
Classification: Uncertain significance. Last evaluated: 2022-04-11. Review status: criteria provided, single submitter. Criteria: GeneDx Variant Classification Process June 2021. Collection method: clinical testing. Allele origin: germline. Affected: yes.
Comment: Not observed at significant frequency in large population cohorts (gnomAD); In silico analysis supports that this missense variant has a deleterious effect on protein structure/function; Has not been previously published as pathogenic or benign to our knowledge